The following is an entry in ClinVar:

ClinVar aggregate classification (germline): Benign/Likely benign. Review status: criteria provided, multiple submitters, no conflicts (2 of 4 stars). 4 submissions from 4 submitters: Benign (1); Likely benign (3). Last evaluated 2026-08-01.

Submissions (4):

CeGaT Center for Human Genetics Tuebingen
Classification: Likely benign. Last evaluated: 2026-08-01. Review status: criteria provided, single submitter. Criteria: CeGaT Center For Human Genetics Tuebingen Variant Classification Criteria Version 2. Collection method: clinical testing. Allele origin: germline. Affected: yes. Observed: 2 variant alleles.
Comment: ARID1B: BP3, BS1

Labcorp Genetics (formerly Invitae), Labcorp
Classification: Likely benign. Last evaluated: 2025-07-27. Review status: criteria provided, single submitter. Criteria: Invitae Variant Classification Sherloc (09022015). Collection method: clinical testing. Allele origin: germline.

Blueprint Genetics
Classification: Likely benign. Last evaluated: 2024-06-11. Review status: criteria provided, single submitter. Criteria: ACMG Guidelines, 2015. Collection method: clinical testing. Allele origin: germline.

GeneDx
Classification: Benign. Last evaluated: 2020-07-06. Review status: criteria provided, single submitter. Criteria: GeneDx Variant Classification Process June 2021. Collection method: clinical testing. Allele origin: germline. Affected: yes.
Comment: In-frame insertion of 1 amino acid in a non-repeat region; Has not been previously published as pathogenic or benign to our knowledge

NM_001374828.1(ARID1B):c.1058CCG[6] (p.Ala357_Gly358insAla)

Gene: ARID1B (AT-rich interaction domain 1B; plus strand). Cytogenetic location: 6q25.3.
Variant type: Microsatellite.
Coding change: c.1058CCG[6] on transcript NM_001374828.1 (MANE Select); six copies in a row of the 3-base unit CCG starting at c.1058; the reference has five copies in a row; one copy, 3 bases duplicated.
Protein change: p.Ala357_Gly358insAla.
Molecular consequence: inframe insertion.
Genome position (GRCh38, 1-based): chr6:156,778,750-156,778,752, CCG duplicated; duplicating any 3 consecutive bases within chr6:156,778,738-156,778,752 gives the same sequence; the position shown is the placement nearest the transcript's 3' end. VCF-style (leftmost placement, unchanged base first): chr6-156778737-T-TCCG. GRCh37 (hg19) VCF-style: chr6-157099871-T-TCCG.
Other names: c.1058CCG[6], p.Ala357_Gly358insAla (NM_001371656.1, NM_001374820.1, NM_017519.3); c.821_823dup (NM_020732.3).
Identifiers: ClinVar variation 1286928 (VCV001286928.30), dbSNP rs766956053, ClinGen allele CA4066698.